The following is an entry in ClinVar:

ClinVar aggregate classification (germline): Benign/Likely benign. Review status: criteria provided, multiple submitters, no conflicts (2 of 4 stars). 9 submissions from 9 submitters: Benign (4); Likely benign (4). 1 of the submissions does not count toward it. Last evaluated 2026-01-05.

Conditions:
FGF14-related disorder. Also called: FGF14-related condition.
Spinocerebellar ataxia type 27 (SCA27). Identifiers: Orphanet 98764, MedGen C1836383, MONDO:0012247.

Allele frequency attached by ClinVar (database versions not stated): 1000 Genomes Project 30x 0.00016; 1000 Genomes Project 0.00020; TOPMed 0.00092; ESP Exome Variant Server 0.00108; gnomAD exomes 0.00129 and 0.00161; ExAC 0.00136; gnomAD 0.00144 and 0.00149.
gnomAD v4.1: 2,540 of 1,613,200 alleles (0.16%); highest among the groups gnomAD compares: Non-Finnish European, 0.19%; 4 homozygotes.

Submissions (9):

Labcorp Genetics (formerly Invitae), Labcorp
Classification: Benign. Last evaluated: 2026-01-05. Review status: criteria provided, single submitter. Criteria: Invitae Variant Classification Sherloc (09022015). Collection method: clinical testing. Allele origin: germline.

Athena Diagnostics
Classification: Benign. Last evaluated: 2025-04-11. Review status: criteria provided, single submitter. Criteria: Athena Diagnostics Criteria. Collection method: clinical testing. Allele origin: unknown.
Comment: The frequency of this variant in the general population is higher than would generally be expected for pathogenic variants in this gene. Computational tools yielded predictions that this variant is unlikely to have an effect on normal RNA splicing. This nucleotide position exhibits low evolutionary conservation.

Blueprint Genetics
Classification: Likely benign. Last evaluated: 2024-11-06. Review status: criteria provided, single submitter. Criteria: ACMG Guidelines, 2015. Collection method: clinical testing. Allele origin: germline.

CeGaT Center for Human Genetics Tuebingen
Classification: Likely benign. Last evaluated: 2024-04-01. Review status: criteria provided, single submitter. Criteria: CeGaT Center For Human Genetics Tuebingen Variant Classification Criteria Version 2. Collection method: clinical testing. Allele origin: germline. Affected: yes. Observed: 4 variant alleles.
Comment: FGF14: BP4, BP7, BS1

Mayo Clinic Laboratories, Mayo Clinic
Classification: Benign. Last evaluated: 2020-08-13. Review status: criteria provided, single submitter. Criteria: ACMG Guidelines, 2015. Collection method: clinical testing. Allele origin: germline. Observed: 13 variant alleles.

Illumina Laboratory Services, Illumina
Classification: Benign for Spinocerebellar ataxia 27A. Last evaluated: 2018-01-13. Review status: criteria provided, single submitter. Criteria: ICSL Variant Classification Criteria 13 December 2019. Collection method: clinical testing. Allele origin: germline.
Comment: This variant was observed in the ICSL laboratory as part of a predisposition screen in an ostensibly healthy population. It had not been previously curated by ICSL or reported in the Human Gene Mutation Database (HGMD: prior to June 1st, 2018), and was therefore a candidate for classification through an automated scoring system. Utilizing variant allele frequency, disease prevalence and penetrance estimates, and inheritance mode, an automated score was calculated to assess if this variant is too frequent to cause the disease. Based on the score and internal cut-off values, a variant classified as benign is not then subjected to further curation. The score for this variant resulted in a classification of benign for this disease.

Clinical Genetics DNA and cytogenetics Diagnostics Lab, Erasmus MC, Erasmus Medical Center
Classification: Likely benign for Spinocerebellar ataxia 27A. Last evaluated: 2017-06-28. Review status: criteria provided, single submitter. Criteria: ACGS Guidelines, 2013. Collection method: clinical testing. Allele origin: germline. Affected: yes. Study: VKGL Data-share Consensus.

Genome Diagnostics Laboratory, University Medical Center Utrecht
Classification: Likely benign for Spinocerebellar ataxia 27A. Last evaluated: 2014-10-10. Review status: criteria provided, single submitter. Criteria: ACGS Guidelines, 2013. Collection method: clinical testing. Allele origin: germline. Affected: yes. Study: VKGL Data-share Consensus.

PreventionGenetics, part of Exact Sciences
Classification: Likely benign for FGF14-related condition. Last evaluated: 2019-08-29. Review status: no assertion criteria provided. Collection method: clinical testing. Allele origin: germline. Not counted in ClinVar's aggregate classification.
Comment: This variant is classified as likely benign based on ACMG/AMP sequence variant interpretation guidelines (Richards et al. 2015 PMID: 25741868, with internal and published modifications).

NM_004115.4(FGF14):c.636T>C (p.His212=)

Gene: FGF14 (fibroblast growth factor 14; minus strand). Cytogenetic location: 13q33.1.
Variant type: single nucleotide variant.
Coding change: c.636T>C on transcript NM_004115.4 (MANE Select); coding-DNA position 636, T replaced by C.
Protein change: p.His212=; no amino-acid change (histidine 212 retained).
Molecular consequence: synonymous variant.
Genome position (GRCh38, 1-based): chr13:101,722,939, A>G on the plus strand (T>C on the coding strand, the complement: FGF14 is on the minus strand). VCF-style: chr13-101722939-A-G. GRCh37 (hg19) VCF-style: chr13-102375289-A-G.
Other names: p.His212=; c.384T>C, p.His128= (NM_001321931.1, NM_001321934.1, NM_001321935.1 and 4 more transcripts); c.447T>C, p.His149= (NM_001321932.1, NM_001321936.1, NM_001321944.1); c.456T>C, p.His152= (NM_001321933.1, NM_001321938.2, NM_001321940.1); c.540T>C, p.His180= (NM_001321939.2); c.450T>C, p.His150= (NM_001321941.2); c.534T>C, p.His178= (NM_001321945.2, NM_001321948.2, NM_001379342.1); c.495T>C, p.His165= (NM_001321947.2); and 1 more.
Identifiers: ClinVar variation 310896 (VCV000310896.43), dbSNP rs41281644, ClinGen allele CA7037106.